The following is an entry in ClinVar:

ClinVar aggregate classification (germline): Uncertain significance (1 of 4 stars; one submission).

Conditions:
Multiple sulfatase deficiency (MSD). Also called: Mucosulfatidosis; Multiple Sulfatase Deficiency Disease; Sulfatidosis, Juvenile, Austin Type. Identifiers: Orphanet 585, MedGen C0268263, MONDO:0010088, OMIM 272200.

Allele frequency attached by ClinVar (database versions not stated): gnomAD exomes below 0.00001; TOPMed below 0.00001; gnomAD 0.00001.
gnomAD v4.1: 3 of 1,613,914 alleles (0.00019%); highest among the groups gnomAD compares: African/African-American, 0.0013%; no homozygotes.

Submission:

Labcorp Genetics (formerly Invitae), Labcorp
Classification: Uncertain significance for Multiple sulfatase deficiency. Last evaluated: 2025-02-24. Review status: criteria provided, single submitter. Criteria: Invitae Variant Classification Sherloc (09022015). Collection method: clinical testing. Allele origin: germline.
Comment: This sequence change replaces cysteine, which is neutral and slightly polar, with glycine, which is neutral and non-polar, at codon 341 of the SUMF1 protein (p.Cys341Gly). This variant is present in population databases (no rsID available, gnomAD 0.01%). This variant has not been reported in the literature in individuals affected with SUMF1-related conditions. ClinVar contains an entry for this variant (Variation ID: 1948188). Invitae Evidence Modeling of protein sequence and biophysical properties (such as structural, functional, and spatial information, amino acid conservation, physicochemical variation, residue mobility, and thermodynamic stability) indicates that this missense variant is expected to disrupt SUMF1 protein function with a positive predictive value of 95%. In summary, the available evidence is currently insufficient to determine the role of this variant in disease. Therefore, it has been classified as a Variant of Uncertain Significance.

NM_182760.4(SUMF1):c.1021T>G (p.Cys341Gly)

Gene: SUMF1 (sulfatase modifying factor 1; minus strand). Cytogenetic location: 3p26.1.
Variant type: single nucleotide variant.
Coding change: c.1021T>G on transcript NM_182760.4 (MANE Select); coding-DNA position 1021, T replaced by G.
Protein change: p.Cys341Gly; replaces cysteine 341 with glycine.
Molecular consequence: missense variant.
Genome position (GRCh38, 1-based): chr3:4,362,248, A>C on the plus strand (T>G on the coding strand, the complement: SUMF1 is on the minus strand). VCF-style: chr3-4362248-A-C. GRCh37 (hg19) VCF-style: chr3-4403932-A-C.
Other names: c.946T>G, p.Cys316Gly (NM_001164674.2); c.961T>G, p.Cys321Gly (NM_001164675.2); short protein forms C316G, C321G, C341G.
Identifiers: ClinVar variation 1948188 (VCV001948188.3), dbSNP rs1167385683, ClinGen allele CA351626610.
Genomic context (GRCh38, chr3:4,362,248, plus strand): 5'-GATTCGAAGCAGAGCTATCAGGTGTGTTCTGGCTCCGAGCAGCACAGCGATACCTGTAAC[A>C]ATAAGACTGTGTAGAGAGAAAGAGCAAGGTAAGTGCTACTGGGACTCTCAGCTGAAGGCT-3'
Protein context (NP_877437.2, residues 331-351): GGSYMCHRSY[Cys341Gly]YRYRCAARSQ